The following is an entry in ClinVar:

NM_001378687.1(ATP2C1):c.1785A>G (p.Ser595=)

Gene: ATP2C1 (ATPase secretory pathway Ca2+ transporting 1; plus strand). Cytogenetic location: 3q22.1.
Variant type: single nucleotide variant.
Coding change: c.1785A>G on transcript NM_001378687.1 (MANE Select); coding-DNA position 1785, A replaced by G.
Protein change: p.Ser595=; no amino-acid change (serine 595 retained).
Molecular consequence: synonymous variant.
Genome position (GRCh38, 1-based): chr3:130,980,625, A>G. VCF-style: chr3-130980625-A-G. GRCh37 (hg19) VCF-style: chr3-130699469-A-G.
Other names: c.1785A>G, p.Ser595= (NM_001001485.3, NM_001001486.2, NM_001001487.2 and 5 more transcripts); c.1887A>G, p.Ser629= (NM_001199180.2, NM_001199181.3, NM_001378511.1); c.1770A>G, p.Ser590= (NM_001199182.2); c.1737A>G, p.Ser579= (NM_001199183.2, NM_001199184.3, NM_001378514.1).
Identifiers: ClinVar variation 737151 (VCV000737151.30), dbSNP rs200047787, ClinGen allele CA2615219.

ClinVar aggregate classification (germline): Likely benign. Review status: criteria provided, multiple submitters, no conflicts (2 of 4 stars). 2 submissions from 2 submitters: Likely benign (2). Last evaluated 2024-08-05.

Allele frequency attached by ClinVar (database versions not stated): gnomAD exomes 0.00013 and 0.00016; ESP Exome Variant Server 0.00015; TOPMed 0.00016; gnomAD 0.00017; ExAC 0.00021.
gnomAD v4.1: 219 of 1,613,246 alleles (0.014%); highest among the groups gnomAD compares: Middle Eastern, 0.033%; no homozygotes.

Submissions (2):

Labcorp Genetics (formerly Invitae), Labcorp
Classification: Likely benign. Last evaluated: 2024-08-05. Review status: criteria provided, single submitter. Criteria: Invitae Variant Classification Sherloc (09022015). Collection method: clinical testing. Allele origin: germline.

CeGaT Center for Human Genetics Tuebingen
Classification: Likely benign. Last evaluated: 2023-12-01. Review status: criteria provided, single submitter. Criteria: CeGaT Center For Human Genetics Tuebingen Variant Classification Criteria Version 2. Collection method: clinical testing. Allele origin: germline. Affected: yes. Observed: 1 variant allele.
Comment: ATP2C1: BP4, BP7